The following is an entry in ClinVar:

ClinVar aggregate classification (germline): Uncertain significance (1 of 4 stars; one submission).

Allele frequency attached by ClinVar (database versions not stated): gnomAD exomes below 0.00001.
gnomAD v4.1: 2 of 1,613,992 alleles (0.00012%); highest among the groups gnomAD compares: Non-Finnish European, 0.000085%; no homozygotes.

Submission:

Labcorp Genetics (formerly Invitae), Labcorp
Classification: Uncertain significance. Last evaluated: 2022-05-15. Review status: criteria provided, single submitter. Criteria: Invitae Variant Classification Sherloc (09022015). Collection method: clinical testing. Allele origin: germline.
Comment: This sequence change replaces phenylalanine, which is neutral and non-polar, with valine, which is neutral and non-polar, at codon 4199 of the FAT1 protein (p.Phe4199Val). This variant is not present in population databases (gnomAD no frequency). In summary, the available evidence is currently insufficient to determine the role of this variant in disease. Therefore, it has been classified as a Variant of Uncertain Significance. Algorithms developed to predict the effect of missense changes on protein structure and function (SIFT, PolyPhen-2, Align-GVGD) all suggest that this variant is likely to be disruptive. This variant has not been reported in the literature in individuals affected with FAT1-related conditions.

NM_005245.4(FAT1):c.12595T>G (p.Phe4199Val)

Gene: FAT1 (FAT atypical cadherin 1; minus strand). Cytogenetic location: 4q35.2.
Variant type: single nucleotide variant.
Coding change: c.12595T>G on transcript NM_005245.4 (MANE Select); coding-DNA position 12595, T replaced by G.
Protein change: p.Phe4199Val; replaces phenylalanine 4199 with valine.
Molecular consequence: missense variant.
Genome position (GRCh38, 1-based): chr4:186,596,945, A>C on the plus strand (T>G on the coding strand, the complement: FAT1 is on the minus strand). VCF-style: chr4-186596945-A-C. GRCh37 (hg19) VCF-style: chr4-187518099-A-C.
Other names: short protein forms F4199V.
Identifiers: ClinVar variation 1923681 (VCV001923681.5), dbSNP rs2477286906, ClinGen allele CA358966864.